The following is an entry in ClinVar:

NM_004357.5(CD151):c.633G>C (p.Lys211Asn)

Gene: CD151 (CD151 molecule (Raph blood group); plus strand). Cytogenetic location: 11p15.5.
Variant type: single nucleotide variant.
Coding change: c.633G>C on transcript NM_004357.5 (MANE Select); coding-DNA position 633, G replaced by C.
Protein change: p.Lys211Asn; replaces lysine 211 with asparagine.
Molecular consequence: missense variant.
Genome position (GRCh38, 1-based): chr11:837,959, G>C. VCF-style: chr11-837959-G-C. GRCh37 (hg19) VCF-style: chr11-837959-G-C.
Other names: c.633G>C, p.Lys211Asn (NM_001039490.2, NM_139029.2, NM_139030.4); short protein forms K211N.
Identifiers: ClinVar variation 1339233 (VCV001339233.2), dbSNP rs1565119185, ClinGen allele CA378996081.

ClinVar aggregate classification (germline): Uncertain significance (1 of 4 stars; one submission).

Conditions:
Epidermolysis bullosa simplex 7, with nephropathy and deafness. Also called: Nephropathy with Pretibial Epidermolysis Bullosa and Deafness; Nephrotic syndrome - deafness - pretibial epidermolysis bullosa syndrome. Identifiers: Orphanet 300333, MedGen C1836823, MONDO:0012190, OMIM 609057.

Submission:

Neuberg Centre For Genomic Medicine, NCGM
Classification: Uncertain significance for Epidermolysis bullosa simplex 7, with nephropathy and deafness. Review status: criteria provided, single submitter. Criteria: ACMG Guidelines, 2015. Collection method: clinical testing. Allele origin: germline. Affected: yes.
Comment: The missense variant p.K211N in CD151 (NM_004357.5) has not been reported previously as a pathogenic variant nor as a benign variant, to our knowledge. The p.K211N variant is novel (not in any individuals) in gnomAD Exomes and is novel (not in any individuals) in 1000 Genomes. There is a moderate physicochemical difference between lysine and asparagine. The p.K211N missense variant is predicted to be damaging by both SIFT and PolyPhen2. The nucleotide c.633 in CD151 is predicted conserved by GERP++ and PhyloP across 100 vertebrates.